The following is an entry in ClinVar:

ClinVar aggregate classification (germline): Pathogenic. Review status: criteria provided, single submitter (1 of 4 stars). 2 submissions from 2 submitters: Pathogenic (1). 1 of the submissions does not count toward it. Last evaluated 2022-08-12.

Conditions:
Hereditary spastic paraplegia 15 (SPG15). Also called: KJELLIN SYNDROME; SPASTIC PARAPLEGIA AND RETINAL DEGENERATION; SPASTIC PARAPLEGIA 15, AUTOSOMAL RECESSIVE. Identifiers: Orphanet 100996, MedGen C1849128, MONDO:0010044, OMIM 270700.
Spastic paraplegia. Identifiers: MedGen C0037772, HP:0001258.

Submissions (2):

Labcorp Genetics (formerly Invitae), Labcorp
Classification: Pathogenic for Spastic paraplegia. Last evaluated: 2022-08-12. Review status: criteria provided, single submitter. Criteria: Invitae Variant Classification Sherloc (09022015). Collection method: clinical testing. Allele origin: germline.
Comment: This sequence change replaces leucine, which is neutral and non-polar, with proline, which is neutral and non-polar, at codon 880 of the ZFYVE26 protein (p.Leu880Pro). For these reasons, this variant has been classified as Pathogenic. Algorithms developed to predict the effect of missense changes on protein structure and function (SIFT, PolyPhen-2, Align-GVGD) all suggest that this variant is likely to be disruptive. ClinVar contains an entry for this variant (Variation ID: 932301). This missense change has been observed in individual(s) with hereditary spastic paraplegia (PMID: 26492578). It has also been observed to segregate with disease in related individuals. This variant is not present in population databases (gnomAD no frequency).

Institute of Human Genetics, University of Goettingen
Classification: Likely pathogenic for Hereditary spastic paraplegia 15. Last evaluated: 2020-05-04. Review status: no assertion criteria provided. Collection method: clinical testing. Allele origin: unknown. Inheritance: Autosomal recessive inheritance. Affected: yes. Observed: 1 homozygote. Not counted in ClinVar's aggregate classification.
Comment: For the following reasons, the homozygous variant is assessed by us as a likely pathogenic variant: 1. the mutation is already described in affected patients with spastic paraplegia 15 (HGMD CM 167983, Kancheva et al., PMID: 26492578). 2. a comparison with the ExAC and gnomAD databases did not provide any indication that this sequence change is a norm variant that can also be detected in non-affected individuals and has a pathogenic computational verdict due to 4 pathogenic predictions from M-CAP, MutationTaster, Polyphen and SIFT

Literature cited by the submitters: PubMed 26492578 (cited by Labcorp Genetics (formerly Invitae), Labcorp).

NM_015346.4(ZFYVE26):c.2639T>C (p.Leu880Pro)

Gene: ZFYVE26 (zinc finger FYVE-type containing 26; minus strand). Cytogenetic location: 14q24.1.
Variant type: single nucleotide variant.
Coding change: c.2639T>C on transcript NM_015346.4 (MANE Select); coding-DNA position 2639, T replaced by C.
Protein change: p.Leu880Pro; replaces leucine 880 with proline.
Molecular consequence: missense variant.
Genome position (GRCh38, 1-based): chr14:67,790,688, A>G on the plus strand (T>C on the coding strand, the complement: ZFYVE26 is on the minus strand). VCF-style: chr14-67790688-A-G. GRCh37 (hg19) VCF-style: chr14-68257405-A-G.
Other names: SPG15; short protein forms L880P.
Identifiers: ClinVar variation 932301 (VCV000932301.7), dbSNP rs2039789225, ClinGen allele CA390173994.